The following is an entry in ClinVar:

NM_002292.4(LAMB2):c.152C>T (p.Thr51Met)

Gene: LAMB2 (laminin subunit beta 2; minus strand). Cytogenetic location: 3p21.31.
Variant type: single nucleotide variant.
Coding change: c.152C>T on transcript NM_002292.4 (MANE Select); coding-DNA position 152, C replaced by T.
Protein change: p.Thr51Met; replaces threonine 51 with methionine.
Molecular consequence: missense variant.
Genome position (GRCh38, 1-based): chr3:49,132,588, G>A on the plus strand (C>T on the coding strand, the complement: LAMB2 is on the minus strand). VCF-style: chr3-49132588-G-A. GRCh37 (hg19) VCF-style: chr3-49170021-G-A.
Other names: short protein forms T51M.
Identifiers: ClinVar variation 658403 (VCV000658403.6), dbSNP rs748829288, ClinGen allele CA2395026.

ClinVar aggregate classification (germline): Uncertain significance (1 of 4 stars; one submission).

Conditions:
Pierson syndrome. Also called: MICROCORIA-CONGENITAL NEPHROTIC SYNDROME. Identifiers: Orphanet 2670, MedGen C1836876, MONDO:0012184, OMIM 609049.
LAMB2-related infantile-onset nephrotic syndrome. Also called: NEPHROTIC SYNDROME, TYPE 5, WITHOUT OCULAR ABNORMALITIES; NEPHROTIC SYNDROME, TYPE 5, WITH OCULAR ABNORMALITIES; Nephrotic Syndrome, type 5. Identifiers: Orphanet 306507, MedGen C3280113, MONDO:0013621, OMIM 614199.

Allele frequency attached by ClinVar (database versions not stated): gnomAD below 0.00001 and 0.00001; TOPMed below 0.00001; gnomAD exomes 0.00001; ExAC 0.00002.
gnomAD v4.1: 14 of 1,613,630 alleles (0.00087%); highest among the groups gnomAD compares: South Asian, 0.0088%; no homozygotes.

Submission:

Labcorp Genetics (formerly Invitae), Labcorp
Classification: Uncertain significance for LAMB2-related infantile-onset nephrotic syndrome; Pierson syndrome. Last evaluated: 2022-08-23. Review status: criteria provided, single submitter. Criteria: Invitae Variant Classification Sherloc (09022015). Collection method: clinical testing. Allele origin: germline.
Comment: ClinVar contains an entry for this variant (Variation ID: 658403). In summary, the available evidence is currently insufficient to determine the role of this variant in disease. Therefore, it has been classified as a Variant of Uncertain Significance. Algorithms developed to predict the effect of missense changes on protein structure and function are either unavailable or do not agree on the potential impact of this missense change (SIFT: "Deleterious"; PolyPhen-2: "Probably Damaging"; Align-GVGD: "Class C0"). This variant has not been reported in the literature in individuals affected with LAMB2-related conditions. This variant is present in population databases (rs748829288, gnomAD 0.01%). This sequence change replaces threonine, which is neutral and polar, with methionine, which is neutral and non-polar, at codon 51 of the LAMB2 protein (p.Thr51Met).